The following is an entry in ClinVar:

ClinVar aggregate classification (germline): Pathogenic/Likely pathogenic. Review status: criteria provided, multiple submitters, no conflicts (2 of 4 stars). 2 submissions from 2 submitters: Pathogenic (1); Likely pathogenic (1). Last evaluated 2024-11-29.

Conditions:
MUTYH-related disorder. Also called: MUTYH-related condition; MUTYH-related disorders.
Hereditary cancer-predisposing syndrome. Also called: Hereditary Cancer Syndrome; Hereditary neoplastic syndrome; Neoplastic Syndromes, Hereditary; Tumor predisposition. Identifiers: Orphanet 140162, MedGen C0027672, MeSH D009386, MONDO:0015356.

Submissions (2):

Ambry Genetics
Classification: Pathogenic for Hereditary cancer-predisposing syndrome. Last evaluated: 2024-11-29. Review status: criteria provided, single submitter. Criteria: Ambry Variant Classification Scheme 2023. Collection method: clinical testing. Allele origin: germline.
Comment: The p.Y456* pathogenic mutation (also known as c.1368T>G), located in coding exon 14 of the MUTYH gene, results from a T to G substitution at nucleotide position 1368. This changes the amino acid from a tyrosine to a stop codon within coding exon 14. This variant is considered to be rare based on population cohorts in the Genome Aggregation Database (gnomAD). This alteration is expected to result in loss of function by premature protein truncation or nonsense-mediated mRNA decay. As such, this alteration is interpreted as a disease-causing mutation.

Blueprint Genetics
Classification: Likely pathogenic for MUTYH-related disorders. Last evaluated: 2023-06-30. Review status: criteria provided, single submitter. Criteria: ACMG Guidelines, 2015. Collection method: clinical testing. Allele origin: germline. Affected: yes. Observed: 1 variant allele.

NM_001048174.2(MUTYH):c.1284T>G (p.Tyr428Ter)

Gene: MUTYH (mutY DNA glycosylase; minus strand). Cytogenetic location: 1p34.1.
Variant type: single nucleotide variant.
Coding change: c.1284T>G on transcript NM_001048174.2 (MANE Select); coding-DNA position 1284, T replaced by G.
Protein change: p.Tyr428Ter; replaces tyrosine 428 with a stop codon.
Molecular consequence: nonsense. On other transcripts: non-coding transcript variant (2).
Genome position (GRCh38, 1-based): chr1:45,331,290, A>C on the plus strand (T>G on the coding strand, the complement: MUTYH is on the minus strand). VCF-style: chr1-45331290-A-C. GRCh37 (hg19) VCF-style: chr1-45796962-A-C.
Other names: c.1284T>G, p.Tyr428Ter (NM_001048171.2, NM_001048173.2, NM_001293195.2 and 6 more transcripts); c.1287T>G, p.Tyr429Ter (NM_001048172.2, NM_001407071.1, NM_001407078.1 and 1 more transcripts); c.1368T>G, p.Tyr456Ter (NM_001128425.2); c.1329T>G, p.Tyr443Ter (NM_001293190.2); c.1317T>G, p.Tyr439Ter (NM_001293191.2, NM_001407069.1, NM_001407077.1); c.1008T>G, p.Tyr336Ter (NM_001293192.2, NM_001293196.2, NM_001407091.1); c.939T>G, p.Tyr313Ter (NM_001350650.2, NM_001350651.2, NM_001407082.1); c.1200T>G, p.Tyr400Ter (NM_001407075.1); and 5 more; short protein forms Y313*, Y414*, Y429*, Y456*, Y428*, Y442*, Y453*, Y336*.
Identifiers: ClinVar variation 1770979 (VCV001770979.4), dbSNP rs2523921174, ClinGen allele CA340132715.